The following is an entry in ClinVar:

ClinVar aggregate classification (germline): Conflicting classifications of pathogenicity. Review status: criteria provided, conflicting classifications (1 of 4 stars). 3 submissions from 3 submitters: Uncertain significance (2); Likely benign (1). Last evaluated 2025-10-22.

Conditions:
Intellectual developmental disorder, autosomal dominant 47. Also called: Intellectual disability, autosomal dominant 47; MENTAL RETARDATION, AUTOSOMAL DOMINANT 47. Identifiers: Orphanet 502434, MedGen C4539951, MONDO:0030912, OMIM 617635.

Allele frequency attached by ClinVar (database versions not stated): gnomAD exomes below 0.00001.
gnomAD v4.1: 6 of 1,614,030 alleles (0.00037%); highest among the groups gnomAD compares: Middle Eastern, 0.083%; no homozygotes.

Submissions (3):

Labcorp Genetics (formerly Invitae), Labcorp
Classification: Uncertain significance. Last evaluated: 2025-10-22. Review status: criteria provided, single submitter. Criteria: Invitae Variant Classification Sherloc (09022015). Collection method: clinical testing. Allele origin: germline.
Comment: This sequence change replaces valine, which is neutral and non-polar, with alanine, which is neutral and non-polar, at codon 769 of the STAG1 protein (p.Val769Ala). This variant is not present in population databases (gnomAD no frequency). This variant has not been reported in the literature in individuals affected with STAG1-related conditions. ClinVar contains an entry for this variant (Variation ID: 1028434). Invitae Evidence Modeling of protein sequence and biophysical properties (such as structural, functional, and spatial information, amino acid conservation, physicochemical variation, residue mobility, and thermodynamic stability) indicates that this missense variant is not expected to disrupt STAG1 protein function with a negative predictive value of 80%. In summary, the available evidence is currently insufficient to determine the role of this variant in disease. Therefore, it has been classified as a Variant of Uncertain Significance.

Baylor Genetics
Classification: Uncertain significance for Intellectual developmental disorder, autosomal dominant 47. Last evaluated: 2019-08-12. Review status: criteria provided, single submitter. Criteria: ACMG Guidelines, 2015. Collection method: clinical testing. Allele origin: unknown. Affected: yes.
Comment: This variant was determined to be of uncertain significance according to ACMG Guidelines, 2015 [PMID:25741868].

Blueprint Genetics
Classification: Likely benign. Last evaluated: 2019-06-04. Review status: criteria provided, single submitter. Criteria: ACMG Guidelines, 2015. Collection method: clinical testing. Allele origin: germline.

NM_005862.3(STAG1):c.2306T>C (p.Val769Ala)

Gene: STAG1 (STAG1 cohesin complex component; minus strand). Cytogenetic location: 3q22.3.
Variant type: single nucleotide variant.
Coding change: c.2306T>C on transcript NM_005862.3 (MANE Select); coding-DNA position 2306, T replaced by C.
Protein change: p.Val769Ala; replaces valine 769 with alanine.
Molecular consequence: missense variant.
Genome position (GRCh38, 1-based): chr3:136,377,724, A>G on the plus strand (T>C on the coding strand, the complement: STAG1 is on the minus strand). VCF-style: chr3-136377724-A-G. GRCh37 (hg19) VCF-style: chr3-136096566-A-G.
Other names: short protein forms V769A.
Identifiers: ClinVar variation 1028434 (VCV001028434.5), dbSNP rs867178690, ClinGen allele CA83809798.
Genomic context (GRCh38, chr3:136,377,724, plus strand): 5'-TCTTTCACTGGAGTATTAACATTAGACAGGCACTGCTGGCAAACAGCCAAAAAGGATTTC[A>G]CCGTTTTCCTCAATACCAACAAATCCTCCTGTAAGACACATTCAAATTTGCAAGCGTGAA-3'
Protein context (NP_005853.2, residues 759-779): KEDLLVLRKT[Val769Ala]KSFLAVCQQC